The following is an entry in ClinVar:

ClinVar aggregate classification (germline): Likely pathogenic (1 of 4 stars; one submission).

Conditions:
Salla disease (SD). Also called: Less Severe FSASD (Salla Disease); Sialuria, Finnish type; N-acetylneuraminic acid (NANA) storage disease (NSD); Infantile sialic acid storage disorder (ISSD). Identifiers: Orphanet 309334, Orphanet 834, MedGen C1096903, MONDO:0011449, OMIM 604369.

Submission:

Natera, Inc.
Classification: Likely pathogenic for Salla disease. Last evaluated: 2025-04-17. Review status: criteria provided, single submitter. Criteria: Natera Variant Classification Schema (03/2026). Collection method: clinical testing. Allele origin: germline.
Comment: The c.531delT variant in SLC17A5 is a frameshift variant predicted to shift the reading frame beginning at codon 178 and leads to a stop codon 34 codons downstream. This variant is expected to result in nonsense mediated decay, truncation, or a dysfunctional protein product. This variant is rare in the general population with a frequency below the threshold expected for the associated phenotype(s). Given the available evidence, this variant is classified as Likely Pathogenic.

NM_012434.5(SLC17A5):c.531del (p.Thr178fs)

Gene: SLC17A5 (solute carrier family 17 member 5; minus strand). Cytogenetic location: 6q13.
Variant type: Deletion.
Coding change: c.531del on transcript NM_012434.5 (MANE Select); coding-DNA position 531, one base deleted (T; older notation c.531delT).
Protein change: p.Thr178fs; shifts the reading frame from threonine 178.
Molecular consequence: frameshift variant.
Genome position (GRCh38, 1-based): chr6:73,638,494, A deleted on the plus strand (T on the coding strand, the reverse complement: SLC17A5 is on the minus strand); the first of 2 consecutive A bases (chr6:73,638,494-73,638,495); deleting either gives the same sequence. VCF-style (leftmost placement, unchanged base first): chr6-73638493-TA-T. GRCh37 (hg19) VCF-style: chr6-74348216-TA-T.
Other names: c.300del, p.Thr101fs (NM_001382629.1, NM_001382636.1); c.531del, p.Thr178fs (NM_001382630.1, NM_001382632.1, NM_001382633.1 and 2 more transcripts); c.552del, p.Thr185fs (NM_001382631.1); short protein forms T101fs, T178fs, T185fs.
Identifiers: ClinVar variation 4815574 (VCV004815574.1).